The following is an entry in ClinVar:

NM_001369268.1(ACAN):c.1242C>T (p.Pro414=)

Gene: ACAN (aggrecan; plus strand). Cytogenetic location: 15q26.1.
Variant type: single nucleotide variant.
Coding change: c.1242C>T on transcript NM_001369268.1 (MANE Select); coding-DNA position 1242, C replaced by T.
Protein change: p.Pro414=; no amino-acid change (proline 414 retained).
Molecular consequence: synonymous variant.
Genome position (GRCh38, 1-based): chr15:88,845,695, C>T. VCF-style: chr15-88845695-C-T. GRCh37 (hg19) VCF-style: chr15-89388926-C-T.
Other names: c.1242C>T, p.Pro414= (NM_001135.4, NM_013227.4).
Identifiers: ClinVar variation 742911 (VCV000742911.33), dbSNP rs375758859, ClinGen allele CA7719504.

ClinVar aggregate classification (germline): Benign/Likely benign. Review status: criteria provided, multiple submitters, no conflicts (2 of 4 stars). 3 submissions from 3 submitters: Benign (1); Likely benign (2). Last evaluated 2026-01-27.

Allele frequency attached by ClinVar (database versions not stated): gnomAD 0.00093 and 0.00080; TOPMed 0.00111; ESP Exome Variant Server 0.00140; gnomAD exomes 0.00013 and 0.00025; ExAC 0.00029; 1000 Genomes Project 30x 0.00031; 1000 Genomes Project 0.00040.
gnomAD v4.1: 324 of 1,613,992 alleles (0.02%); highest among the groups gnomAD compares: African/African-American, 0.3%; 1 homozygote.

Submissions (3):

Labcorp Genetics (formerly Invitae), Labcorp
Classification: Benign. Last evaluated: 2026-01-27. Review status: criteria provided, single submitter. Criteria: Invitae Variant Classification Sherloc (09022015). Collection method: clinical testing. Allele origin: germline.

Blueprint Genetics
Classification: Likely benign. Last evaluated: 2024-10-21. Review status: criteria provided, single submitter. Criteria: ACMG Guidelines, 2015. Collection method: clinical testing. Allele origin: germline.

CeGaT Center for Human Genetics Tuebingen
Classification: Likely benign. Last evaluated: 2022-03-01. Review status: criteria provided, single submitter. Criteria: CeGaT Center For Human Genetics Tuebingen Variant Classification Criteria Version 2. Collection method: clinical testing. Allele origin: germline. Affected: yes. Observed: 1 variant allele.
Comment: ACAN: BP4, BP7